The following is an entry in ClinVar:

NM_145038.5(DRC1):c.218A>G (p.Tyr73Cys)

Gene: DRC1 (dynein regulatory complex subunit 1; plus strand). Cytogenetic location: 2p23.3.
Variant type: single nucleotide variant.
Coding change: c.218A>G on transcript NM_145038.5 (MANE Select); coding-DNA position 218, A replaced by G.
Protein change: p.Tyr73Cys; replaces tyrosine 73 with cysteine.
Molecular consequence: missense variant.
Genome position (GRCh38, 1-based): chr2:26,414,406, A>G. VCF-style: chr2-26414406-A-G. GRCh37 (hg19) VCF-style: chr2-26637274-A-G.
Other names: short protein forms Y73C.
Identifiers: ClinVar variation 1715170 (VCV001715170.6), dbSNP rs2465359374, ClinGen allele CA346096653.

ClinVar aggregate classification (germline): Uncertain significance (1 of 4 stars; one submission).

Conditions:
Primary ciliary dyskinesia. Also called: Ciliary dyskinesia. Identifiers: Orphanet 244, MedGen C0008780, MONDO:0016575, HP:0012265.

Submission:

Labcorp Genetics (formerly Invitae), Labcorp
Classification: Uncertain significance for Primary ciliary dyskinesia. Last evaluated: 2022-08-05. Review status: criteria provided, single submitter. Criteria: Invitae Variant Classification Sherloc (09022015). Collection method: clinical testing. Allele origin: germline.
Comment: In summary, the available evidence is currently insufficient to determine the role of this variant in disease. Therefore, it has been classified as a Variant of Uncertain Significance. Algorithms developed to predict the effect of missense changes on protein structure and function are either unavailable or do not agree on the potential impact of this missense change (SIFT: "Tolerated"; PolyPhen-2: "Possibly Damaging"; Align-GVGD: "Class C0"). This variant has not been reported in the literature in individuals affected with DRC1-related conditions. This variant is not present in population databases (gnomAD no frequency). This sequence change replaces tyrosine, which is neutral and polar, with cysteine, which is neutral and slightly polar, at codon 73 of the DRC1 protein (p.Tyr73Cys).